The following is an entry in ClinVar:

ClinVar aggregate classification (germline): Uncertain significance (1 of 4 stars; one submission).

gnomAD v4.1: 2 of 1,614,182 alleles (0.00012%); highest among the groups gnomAD compares: African/African-American, 0.0013%; no homozygotes.

Submission:

Ambry Genetics
Classification: Uncertain significance. Last evaluated: 2023-10-24. Review status: criteria provided, single submitter. Criteria: Ambry Variant Classification Scheme 2023. Collection method: clinical testing. Allele origin: germline.
Comment: The p.D769G variant (also known as c.2306A>G), located in coding exon 1 of the MLH3 gene, results from an A to G substitution at nucleotide position 2306. The aspartic acid at codon 769 is replaced by glycine, an amino acid with similar properties. This amino acid position is conserved. In addition, this alteration is predicted to be tolerated by in silico analysis. Since supporting evidence is limited at this time, the clinical significance of this alteration remains unclear.

NM_001040108.2(MLH3):c.2306A>G (p.Asp769Gly)

Gene: MLH3 (mutL homolog 3; minus strand). Cytogenetic location: 14q24.3.
Variant type: single nucleotide variant.
Coding change: c.2306A>G on transcript NM_001040108.2 (MANE Select); coding-DNA position 2306, A replaced by G.
Protein change: p.Asp769Gly; replaces aspartic acid 769 with glycine.
Molecular consequence: missense variant.
Genome position (GRCh38, 1-based): chr14:75,047,350, T>C on the plus strand (A>G on the coding strand, the complement: MLH3 is on the minus strand). VCF-style: chr14-75047350-T-C. GRCh37 (hg19) VCF-style: chr14-75514053-T-C.
Other names: c.2306A>G, p.Asp769Gly (NM_014381.3); short protein forms D769G.
Identifiers: ClinVar variation 3232480 (VCV003232480.1), dbSNP rs2503273398, ClinGen allele CA390440989.